The following is an entry in ClinVar:

NC_000001.10:g.(?_156084710)_(156108897_?)dup

Gene: LMNA (lamin A/C; plus strand). Cytogenetic location: 1q22.
Variant type: Duplication.
Identifiers: ClinVar variation 1445471 (VCV001445471.1).

ClinVar aggregate classification (germline): Uncertain significance (1 of 4 stars; one submission).

Conditions:
Charcot-Marie-Tooth disease type 2. Also called: Charcot-Marie-Tooth type 2. Identifiers: Orphanet 64746, MedGen C0270914, MONDO:0018993.

Submission:

Labcorp Genetics (formerly Invitae), Labcorp
Classification: Uncertain significance for Charcot-Marie-Tooth disease type 2. Last evaluated: 2021-08-11. Review status: criteria provided, single submitter. Criteria: Invitae Variant Classification Sherloc (09022015). Collection method: clinical testing. Allele origin: germline.
Comment: A copy number gain of the genomic region encompassing the full coding sequence of the LMNA gene has been identified. The boundaries of this event are unknown as they extend beyond the assayed region for this gene and therefore may encompass additional genes. As the precise location of this event is unknown, it may be in tandem or it may be located elsewhere in the genome. Isolated whole-gene copy number gains of LMNA have not been reported in the literature. However, larger copy number events that include this gene have been reported (PMID: 29845577). In summary, the available evidence is currently insufficient to determine the role of this variant in disease. Therefore, it has been classified as a Variant of Uncertain Significance.

Literature cited by the submitters: PubMed 29845577.